The following is an entry in ClinVar:

ClinVar aggregate classification (germline): Uncertain significance (1 of 4 stars; one submission).

Submission:

Ambry Genetics
Classification: Uncertain significance. Last evaluated: 2021-08-25. Review status: criteria provided, single submitter. Criteria: Ambry Variant Classification Scheme 2023. Collection method: clinical testing. Allele origin: germline.
Comment: The p.G1233S variant (also known as c.3697G>A), located in coding exon 4 of the ALPK2 gene, results from a G to A substitution at nucleotide position 3697. The glycine at codon 1233 is replaced by serine, an amino acid with similar properties. This amino acid position is conserved. In addition, this alteration is predicted to be tolerated by in silico analysis. Since supporting evidence is limited at this time, the clinical significance of this alteration remains unclear.

NM_052947.4(ALPK2):c.3697G>A (p.Gly1233Ser)

Genes: ALPK2 (alpha kinase 2; minus strand), LOC126862764 (BRD4-independent group 4 enhancer GRCh37_chr18:56202574-56203773; plus strand). Cytogenetic location: 18q21.31.
Variant type: single nucleotide variant.
Coding change: c.3697G>A on transcript NM_052947.4 (MANE Select); coding-DNA position 3697, G replaced by A.
Protein change: p.Gly1233Ser; replaces glycine 1233 with serine.
Molecular consequence: missense variant.
Genome position (GRCh38, 1-based): chr18:58,536,490, C>T on the plus strand (G>A on the coding strand, the complement: ALPK2 is on the minus strand). VCF-style: chr18-58536490-C-T. GRCh37 (hg19) VCF-style: chr18-56203722-C-T.
Other names: short protein forms G1233S.
Identifiers: ClinVar variation 1734005 (VCV001734005.2), dbSNP rs2518876122, ClinGen allele CA402566014.